The following is an entry in ClinVar:

ClinVar aggregate classification (germline): Likely pathogenic (1 of 4 stars; one submission).

Submission:

Dasa
Classification: Likely pathogenic. Last evaluated: 2024-12-05. Review status: criteria provided, single submitter. Criteria: DASA Assertion Criteria. Collection method: clinical testing. Allele origin: germline.
Comment: NM_015192.4(PLCB1):c.1047T>A (p.Tyr349*) is a nonsense variant in PLCB1 predicted to introduce a premature termination codon and is predicted to result in an absent or altered protein product. Loss of function is an established disease mechanism for PLCB1-associated disorders. Also, this variant is absent from population databases. Based on the currently available evidence, this variant is classified as likely pathogenic.

NM_015192.4(PLCB1):c.1047T>A (p.Tyr349Ter)

Gene: PLCB1 (phospholipase C beta 1; plus strand). Cytogenetic location: 20p12.3.
Variant type: single nucleotide variant.
Coding change: c.1047T>A on transcript NM_015192.4 (MANE Select); coding-DNA position 1047, T replaced by A.
Protein change: p.Tyr349Ter; replaces tyrosine 349 with a stop codon.
Molecular consequence: nonsense.
Genome position (GRCh38, 1-based): chr20:8,697,663, T>A. VCF-style: chr20-8697663-T-A. GRCh37 (hg19) VCF-style: chr20-8678310-T-A.
Other names: c.1047T>A, p.Tyr349Ter (NM_182734.3); short protein forms Y349*.
Identifiers: ClinVar variation 4884220 (VCV004884220.2).